The following is an entry in ClinVar:

NM_001367498.1(CNTNAP5):c.345C>T (p.Arg115=)

Gene: CNTNAP5 (contactin associated protein family member 5; plus strand). Cytogenetic location: 2q14.3.
Variant type: single nucleotide variant.
Coding change: c.345C>T on transcript NM_001367498.1 (MANE Select); coding-DNA position 345, C replaced by T.
Protein change: p.Arg115=; no amino-acid change (arginine 115 retained).
Molecular consequence: synonymous variant.
Genome position (GRCh38, 1-based): chr2:124,242,357, C>T. VCF-style: chr2-124242357-C-T. GRCh37 (hg19) VCF-style: chr2-124999934-C-T.
Other names: c.345C>T, p.Arg115= (NM_130773.4).
Identifiers: ClinVar variation 3049708 (VCV003049708.21), dbSNP rs200562881, ClinGen allele CA1855540.

ClinVar aggregate classification (germline): Likely benign. Review status: criteria provided, single submitter (1 of 4 stars). 2 submissions from 2 submitters: Likely benign (1). 1 of the submissions does not count toward it. Last evaluated 2024-04-01.

Conditions:
CNTNAP5-related disorder. Also called: CNTNAP5-related condition.

Allele frequency attached by ClinVar (database versions not stated): gnomAD exomes 0.00012; TOPMed 0.00014; gnomAD 0.00019; ExAC 0.00020.
gnomAD v4.1: 220 of 1,613,086 alleles (0.014%); highest among the groups gnomAD compares: Non-Finnish European, 0.0032%; no homozygotes.

Submissions (2):

CeGaT Center for Human Genetics Tuebingen
Classification: Likely benign. Last evaluated: 2024-04-01. Review status: criteria provided, single submitter. Criteria: CeGaT Center For Human Genetics Tuebingen Variant Classification Criteria Version 2. Collection method: clinical testing. Allele origin: germline. Affected: yes. Observed: 1 variant allele.
Comment: CNTNAP5: BP4

PreventionGenetics, part of Exact Sciences
Classification: Likely benign for CNTNAP5-related condition. Last evaluated: 2019-07-10. Review status: no assertion criteria provided. Collection method: clinical testing. Allele origin: germline. Not counted in ClinVar's aggregate classification.
Comment: This variant is classified as likely benign based on ACMG/AMP sequence variant interpretation guidelines (Richards et al. 2015 PMID: 25741868, with internal and published modifications).